The following is an entry in ClinVar:

ClinVar aggregate classification (germline): Uncertain significance (1 of 4 stars; one submission).

Conditions:
Hereditary cancer-predisposing syndrome. Also called: Neoplastic Syndromes, Hereditary; Hereditary Cancer Syndrome; Tumor predisposition; Hereditary neoplastic syndrome. Identifiers: Orphanet 140162, MedGen C0027672, MeSH D009386, MONDO:0015356.

gnomAD v4.1: 1 of 1,611,960 alleles (0.000062%); highest among the groups gnomAD compares: Non-Finnish European, 0.000085%; no homozygotes.

Submission:

Ambry Genetics
Classification: Uncertain significance for Hereditary cancer-predisposing syndrome. Last evaluated: 2024-12-26. Review status: criteria provided, single submitter. Criteria: Ambry Variant Classification Scheme 2023. Collection method: clinical testing. Allele origin: germline.
Comment: The p.Q368L variant (also known as c.1103A>T), located in coding exon 8 of the ATM gene, results from an A to T substitution at nucleotide position 1103. The glutamine at codon 368 is replaced by leucine, an amino acid with dissimilar properties. This amino acid position is conserved. In addition, this alteration is predicted to be tolerated by in silico analysis. Based on the available evidence, the clinical significance of this variant remains unclear.

NM_000051.4(ATM):c.1103A>T (p.Gln368Leu)

Gene: ATM (ATM serine/threonine kinase; plus strand). Cytogenetic location: 11q22.3.
Variant type: single nucleotide variant.
Coding change: c.1103A>T on transcript NM_000051.4 (MANE Select); coding-DNA position 1103, A replaced by T.
Protein change: p.Gln368Leu; replaces glutamine 368 with leucine.
Molecular consequence: missense variant.
Genome position (GRCh38, 1-based): chr11:108,248,970, A>T. VCF-style: chr11-108248970-A-T. GRCh37 (hg19) VCF-style: chr11-108119697-A-T.
Other names: c.1103A>T, p.Gln368Leu (NM_001351834.2); short protein forms Q368L.
Identifiers: ClinVar variation 3801491 (VCV003801491.1).
Genomic context (GRCh38, chr11:108,248,970, plus strand): 5'-GTGGATTTATTTTTATTTTACAGGTTTTTAATGAAGATACCAGATCCTTGGAGATTTCTC[A>T]ATCTTACACTACTACACAAAGAGAATCTAGTGATTACAGTGTCCCTTGCAAAAGGAAGAA-3'
Protein context (NP_000042.3, residues 358-378): NEDTRSLEIS[Gln368Leu]SYTTTQRESS